The following is an entry in ClinVar:

ClinVar aggregate classification (germline): Uncertain significance (1 of 4 stars; one submission).

gnomAD v4.1: 1 of 1,613,760 alleles (0.000062%); highest among the groups gnomAD compares: Admixed American, 0.0017%; no homozygotes.

Submission:

Labcorp Genetics (formerly Invitae), Labcorp
Classification: Uncertain significance. Last evaluated: 2025-12-05. Review status: criteria provided, single submitter. Criteria: Invitae Variant Classification Sherloc (09022015). Collection method: clinical testing. Allele origin: germline.
Comment: This sequence change replaces glycine, which is neutral and non-polar, with valine, which is neutral and non-polar, at codon 1999 of the KMT2B protein (p.Gly1999Val). This variant is not present in population databases (gnomAD no frequency). This variant has not been reported in the literature in individuals affected with KMT2B-related conditions. Invitae Evidence Modeling of protein sequence and biophysical properties (such as structural, functional, and spatial information, amino acid conservation, physicochemical variation, residue mobility, and thermodynamic stability) indicates that this missense variant is not expected to disrupt KMT2B protein function with a negative predictive value of 95%. In summary, the available evidence is currently insufficient to determine the role of this variant in disease. Therefore, it has been classified as a Variant of Uncertain Significance.

NM_014727.3(KMT2B):c.5996G>T (p.Gly1999Val)

Gene: KMT2B (lysine methyltransferase 2B; plus strand). Cytogenetic location: 19q13.12.
Variant type: single nucleotide variant.
Coding change: c.5996G>T on transcript NM_014727.3 (MANE Select); coding-DNA position 5996, G replaced by T.
Protein change: p.Gly1999Val; replaces glycine 1999 with valine.
Molecular consequence: missense variant.
Genome position (GRCh38, 1-based): chr19:35,732,545, G>T. VCF-style: chr19-35732545-G-T. GRCh37 (hg19) VCF-style: chr19-36223446-G-T.
Other names: short protein forms G1999V.
Identifiers: ClinVar variation 4759635 (VCV004759635.1).
Genomic context (GRCh38, chr19:35,732,545, plus strand): 5'-ACATGGAGGTGGTGTCAGGACTGAGTGCTGCTGACCTGGACTTCGCGGCCAGCCTGCTGG[G>T]GACTGAGCCCTTCCAGGAAGAGATTGTAGCCGCTGGGGCCATGGGGAGCAGCCACGGGGG-3'
Protein context (NP_055542.1, residues 1989-2009): ADLDFAASLL[Gly1999Val]TEPFQEEIVA